The following is an entry in ClinVar:

NM_001005242.3(PKP2):c.578G>C (p.Arg193Thr)

Gene: PKP2 (plakophilin 2; minus strand). Cytogenetic location: 12p11.21.
Variant type: single nucleotide variant.
Coding change: c.578G>C on transcript NM_001005242.3 (MANE Select); coding-DNA position 578, G replaced by C.
Protein change: p.Arg193Thr; replaces arginine 193 with threonine.
Molecular consequence: missense variant.
Genome position (GRCh38, 1-based): chr12:32,878,302, C>G on the plus strand (G>C on the coding strand, the complement: PKP2 is on the minus strand). VCF-style: chr12-32878302-C-G. GRCh37 (hg19) VCF-style: chr12-33031236-C-G.
Other names: c.578G>C, p.Arg193Thr (NM_001407155.1, NM_001407156.1, NM_001407157.1 and 2 more transcripts); c.251G>C, p.Arg84Thr (NM_001407158.1, NM_001407159.1, NM_001407160.1 and 1 more transcripts); short protein forms R193T, R84T.
Identifiers: ClinVar variation 3070931 (VCV003070931.1), dbSNP rs2541341255, ClinGen allele CA384364294.

ClinVar aggregate classification (germline): Uncertain significance (1 of 4 stars; one submission).

Conditions:
Arrhythmogenic right ventricular cardiomyopathy (ARVD). Also called: Arrhythmogenic right ventricular dysplasia; Cardiomyopathy, ARVC; Arrhythmogenic cardiomyopathy; Arrhythmogenic Right Ventricular Cardiomyopathy (ARVC). Identifiers: Orphanet 247, MedGen C0349788, MeSH D019571, MONDO:0016587. Disease mechanism: loss of function. Inheritance: Various modes of inheritance.

Submission:

All of Us Research Program, National Institutes of Health
Classification: Uncertain significance for Arrhythmogenic right ventricular cardiomyopathy. Last evaluated: 2023-05-08. Review status: criteria provided, single submitter. Criteria: ACMG Guidelines, 2015. Collection method: clinical testing. Allele origin: germline. Inheritance: Autosomal dominant inheritance. Observed: 1 variant allele, 1 heterozygote.
Comment: This study involves interpretation of variants in research participants for the purpose of population health screening. Participant phenotype was not available at the time of variant classification. Additional details can be found in publication PMID: 35346344, PMCID: PMC8962531